The following is an entry in ClinVar:

ClinVar aggregate classification (germline): Pathogenic. Review status: criteria provided, multiple submitters, no conflicts (2 of 4 stars). 2 submissions from 2 submitters: Pathogenic (2). Last evaluated 2026-01-27.

Conditions:
PDE6B-related disorder. Also called: PDE6B-related disease; PDE6B-related condition; PDE6B-related disorders.

Allele frequency attached by ClinVar (database versions not stated): gnomAD 0.00001; gnomAD exomes 0.00001 and 0.00006; TOPMed 0.00002; ExAC 0.00005; ESP Exome Variant Server 0.00008.
gnomAD v4.1: 16 of 1,612,892 alleles (0.00099%); highest among the groups gnomAD compares: Admixed American, 0.027%; no homozygotes.

Submissions (2):

Labcorp Genetics (formerly Invitae), Labcorp
Classification: Pathogenic. Last evaluated: 2026-01-27. Review status: criteria provided, single submitter. Criteria: Invitae Variant Classification Sherloc (09022015). Collection method: clinical testing. Allele origin: germline.
Comment: This sequence change affects an acceptor splice site in intron 17 of the PDE6B gene. It is expected to disrupt RNA splicing. Variants that disrupt the donor or acceptor splice site typically lead to a loss of protein function (PMID: 16199547), and loss-of-function variants in PDE6B are known to be pathogenic (PMID: 8394174, 8595886, 22334370). This variant is present in population databases (rs148555862, gnomAD 0.04%). Disruption of this splice site has been observed in individuals with autosomal recessive retinitis pigmentosa (internal data). ClinVar contains an entry for this variant (Variation ID: 969586). Algorithms developed to predict the effect of sequence changes on RNA splicing suggest that this variant may disrupt the consensus splice site. For these reasons, this variant has been classified as Pathogenic.

Blueprint Genetics
Classification: Pathogenic for PDE6B-related disorders. Last evaluated: 2022-03-15. Review status: criteria provided, single submitter. Criteria: ACMG Guidelines, 2015. Collection method: clinical testing. Allele origin: germline. Affected: yes. Observed: 2 variant alleles.

Literature cited by the submitters: PubMed 16199547 (cited by Labcorp Genetics (formerly Invitae), Labcorp); PubMed 8394174 (cited by Labcorp Genetics (formerly Invitae), Labcorp); PubMed 8595886 (cited by Labcorp Genetics (formerly Invitae), Labcorp); PubMed 22334370 (cited by Labcorp Genetics (formerly Invitae), Labcorp).

NM_000283.4(PDE6B):c.2130-1G>A

Gene: PDE6B (phosphodiesterase 6B; plus strand). Cytogenetic location: 4p16.3.
Variant type: single nucleotide variant.
Coding change: c.2130-1G>A on transcript NM_000283.4 (MANE Select); the canonical splice acceptor site of the intron before coding-DNA position 2130, G replaced by A.
Molecular consequence: splice acceptor variant.
Genome position (GRCh38, 1-based): chr4:664,880, G>A. VCF-style: chr4-664880-G-A. GRCh37 (hg19) VCF-style: chr4-658669-G-A.
Other names: c.2130-1G>A (NM_001145291.2); c.1293-1G>A (NM_001379246.1, NM_001379247.1, NM_001145292.2 and 1 more transcripts); c.975-1G>A (NM_001350155.3).
Identifiers: ClinVar variation 969586 (VCV000969586.9), dbSNP rs148555862, ClinGen allele CA2794906.